The following is an entry in ClinVar:

NM_001232.4(CASQ2):c.1188TGA[4] (p.Asp398dup)

Gene: CASQ2 (calsequestrin 2; minus strand). Cytogenetic location: 1p13.1.
Variant type: Microsatellite.
Coding change: c.1188TGA[4] on transcript NM_001232.4 (MANE Select); four copies in a row of the 3-base unit TGA starting at c.1188; the reference has three copies in a row; one copy, 3 bases duplicated.
Protein change: p.Asp398dup; duplicates aspartic acid 398.
Molecular consequence: inframe insertion.
Genome position (GRCh38, 1-based): chr1:115,701,245-115,701,247, TCA duplicated on the plus strand (TGA on the coding strand, the reverse complement: CASQ2 is on the minus strand); duplicating any 3 consecutive bases within chr1:115,701,245-115,701,255 gives the same sequence; the position shown is the placement nearest the transcript's 3' end. VCF-style (leftmost placement, unchanged base first): chr1-115701244-T-TTCA. GRCh37 (hg19) VCF-style: chr1-116243865-T-TTCA.
Identifiers: ClinVar variation 513407 (VCV000513407.8), dbSNP rs72554070, ClinGen allele CA1023592.

ClinVar aggregate classification (germline): Conflicting classifications of pathogenicity. Review status: criteria provided, conflicting classifications (1 of 4 stars). 3 submissions from 3 submitters: Uncertain significance (1); Likely benign (2). Last evaluated 2025-09-12.

Conditions:
Catecholaminergic polymorphic ventricular tachycardia 1. Also called: VENTRICULAR TACHYCARDIA, CATECHOLAMINERGIC POLYMORPHIC, 1, WITH OR WITHOUT ATRIAL DYSFUNCTION AND/OR DILATED CARDIOMYOPATHY; RYR2-Related Catecholaminergic Polymorphic Ventricular Tachycardia; VENTRICULAR TACHYCARDIA, STRESS-INDUCED POLYMORPHIC 1. Identifiers: Orphanet 3286, MedGen C1631597, MONDO:0011484, OMIM 604772.
Cardiovascular phenotype. Identifiers: MedGen CN230736.

Submissions (3):

Labcorp Genetics (formerly Invitae), Labcorp
Classification: Uncertain significance for Catecholaminergic polymorphic ventricular tachycardia 1. Last evaluated: 2025-09-12. Review status: criteria provided, single submitter. Criteria: Invitae Variant Classification Sherloc (09022015). Collection method: clinical testing. Allele origin: germline.
Comment: This variant, c.1194_1196dup, results in the insertion of 1 amino acid(s) of the CASQ2 protein (p.Asp398dup), but otherwise preserves the integrity of the reading frame. This variant is present in population databases (rs774681337, gnomAD 0.003%). This variant has not been reported in the literature in individuals affected with CASQ2-related conditions. Experimental studies and prediction algorithms are not available or were not evaluated, and the functional significance of this variant is currently unknown. In summary, the available evidence is currently insufficient to determine the role of this variant in disease. Therefore, it has been classified as a Variant of Uncertain Significance.

Ambry Genetics
Classification: Likely benign for Cardiovascular phenotype. Last evaluated: 2022-02-16. Review status: criteria provided, single submitter. Criteria: Ambry Variant Classification Scheme 2023. Collection method: clinical testing. Allele origin: germline.

GeneDx
Classification: Likely benign. Last evaluated: 2017-11-15. Review status: criteria provided, single submitter. Criteria: GeneDx Variant Classification (06012015). Collection method: clinical testing. Allele origin: germline. Affected: yes.
Comment: This variant is considered likely benign or benign based on one or more of the following criteria: it is a conservative change, it occurs at a poorly conserved position in the protein, it is predicted to be benign by multiple in silico algorithms, and/or has population frequency not consistent with disease.

Literature cited by the submitters: PubMed 23861362 (cited by Ambry Genetics).